The following is an entry in ClinVar:

NM_001358921.2(COQ2):c.89C>T (p.Ala30Val)

Genes: COQ2 (coenzyme Q2, polyprenyltransferase; minus strand), LOC112997540 (Sharpr-MPRA regulatory region 13773; plus strand). Cytogenetic location: 4q21.23.
Variant type: single nucleotide variant.
Coding change: c.89C>T on transcript NM_001358921.2 (MANE Select); coding-DNA position 89, C replaced by T.
Protein change: p.Ala30Val; replaces alanine 30 with valine.
Molecular consequence: missense variant.
Genome position (GRCh38, 1-based): chr4:83,284,676, G>A on the plus strand (C>T on the coding strand, the complement: COQ2 is on the minus strand). VCF-style: chr4-83284676-G-A. GRCh37 (hg19) VCF-style: chr4-84205829-G-A.
Other names: c.239C>T (NM_015697.7); c.239C>T, p.Ala80Val (NM_015697.9); short protein forms A80V, A30V.
Identifiers: ClinVar variation 1510650 (VCV001510650.7), dbSNP rs942463668, ClinGen allele CA100656633.

ClinVar aggregate classification (germline): Uncertain significance. Review status: criteria provided, multiple submitters, no conflicts (2 of 4 stars). 3 submissions from 3 submitters: Uncertain significance (3). Last evaluated 2024-12-05.

Conditions:
Inborn genetic diseases. Identifiers: MedGen C0950123, MeSH D030342.
Coenzyme Q10 deficiency, primary, 1. Also called: COENZYME Q DEFICIENCY 1; CoQ DEFICIENCY 1; UBIQUINONE DEFICIENCY 1. Identifiers: Orphanet 255249, MedGen C3551954, MONDO:0011829, OMIM 607426.
Multiple system atrophy 1, susceptibility to. Also called: MSA1, SUSCEPTIBILITY TO. Identifiers: MedGen C3714927, MONDO:0020715, OMIM 146500.

Allele frequency attached by ClinVar (database versions not stated): gnomAD exomes below 0.00001 and 0.00003; gnomAD 0.00001; TOPMed 0.00001.
gnomAD v4.1: 4 of 1,469,178 alleles (0.00027%); highest among the groups gnomAD compares: Admixed American, 0.0075%; no homozygotes.

Submissions (3):

Labcorp Genetics (formerly Invitae), Labcorp
Classification: Uncertain significance. Last evaluated: 2024-12-05. Review status: criteria provided, single submitter. Criteria: Invitae Variant Classification Sherloc (09022015). Collection method: clinical testing. Allele origin: germline.
Comment: This sequence change replaces alanine, which is neutral and non-polar, with valine, which is neutral and non-polar, at codon 80 of the COQ2 protein (p.Ala80Val). This variant is present in population databases (no rsID available, gnomAD 0.02%). This variant has not been reported in the literature in individuals affected with COQ2-related conditions. ClinVar contains an entry for this variant (Variation ID: 1510650). An algorithm developed to predict the effect of missense changes on protein structure and function (PolyPhen-2) suggests that this variant¬†is likely to be tolerated. In summary, the available evidence is currently insufficient to determine the role of this variant in disease. Therefore, it has been classified as a Variant of Uncertain Significance.

Fulgent Genetics
Classification: Uncertain significance for Multiple system atrophy 1, susceptibility to; Coenzyme Q10 deficiency, primary, 1. Last evaluated: 2024-05-09. Review status: criteria provided, single submitter. Criteria: ACMG Guidelines, 2015. Collection method: clinical testing. Allele origin: germline.

Ambry Genetics
Classification: Uncertain significance for Inborn genetic diseases. Last evaluated: 2021-07-09. Review status: criteria provided, single submitter. Criteria: Ambry Variant Classification Scheme 2023. Collection method: clinical testing. Allele origin: germline.